The following is an entry in ClinVar:

NM_052947.4(ALPK2):c.2391C>G (p.Asp797Glu)

Gene: ALPK2 (alpha kinase 2; minus strand). Cytogenetic location: 18q21.31.
Variant type: single nucleotide variant.
Coding change: c.2391C>G on transcript NM_052947.4 (MANE Select); coding-DNA position 2391, C replaced by G.
Protein change: p.Asp797Glu; replaces aspartic acid 797 with glutamic acid.
Molecular consequence: missense variant.
Genome position (GRCh38, 1-based): chr18:58,537,796, G>C on the plus strand (C>G on the coding strand, the complement: ALPK2 is on the minus strand). VCF-style: chr18-58537796-G-C. GRCh37 (hg19) VCF-style: chr18-56205028-G-C.
Other names: short protein forms D797E.
Identifiers: ClinVar variation 3290282 (VCV003290282.1).
Genomic context (GRCh38, chr18:58,537,796, plus strand): 5'-ATCAAAACACGTTCCTTGGTCACCAGCCTCAAAACACTCCATTGCACACACTGCTTCTCT[G>C]TCCCTTGGCTCATCACACACATTTTCCAGGGTGAGGGCAGTATCTGTGGGTTCAGGGGAA-3'
Protein context (NP_443179.3, residues 787-807): TLENVCDEPR[Asp797Glu]REAVCAMECF

ClinVar aggregate classification (germline): Uncertain significance (1 of 4 stars; one submission).

Submission:

Ambry Genetics
Classification: Uncertain significance. Last evaluated: 2024-05-01. Review status: criteria provided, single submitter. Criteria: Ambry Variant Classification Scheme 2023. Collection method: clinical testing. Allele origin: germline.
Comment: The p.D797E variant (also known as c.2391C>G), located in coding exon 4 of the ALPK2 gene, results from a C to G substitution at nucleotide position 2391. The aspartic acid at codon 797 is replaced by glutamic acid, an amino acid with highly similar properties. This amino acid position is conserved. In addition, this alteration is predicted to be tolerated by in silico analysis. Based on the available evidence, the clinical significance of this variant remains unclear.